The following is an entry in ClinVar:

ClinVar aggregate classification (germline): Uncertain significance (1 of 4 stars; one submission).

Conditions:
Inborn genetic diseases. Identifiers: MedGen C0950123, MeSH D030342.

Allele frequency attached by ClinVar (database versions not stated): gnomAD exomes below 0.00001.
gnomAD v4.1: 1 of 1,614,144 alleles (0.000062%); highest among the groups gnomAD compares: Non-Finnish European, 0.000085%; no homozygotes.

Submission:

Ambry Genetics
Classification: Uncertain significance for Inborn genetic diseases. Last evaluated: 2023-03-06. Review status: criteria provided, single submitter. Criteria: Ambry Variant Classification Scheme 2023. Collection method: clinical testing. Allele origin: germline.
Comment: The c.4784G>A (p.G1595D) alteration is located in exon 21 (coding exon 21) of the MED13L gene. This alteration results from a G to A substitution at nucleotide position 4784, causing the glycine (G) at amino acid position 1595 to be replaced by an aspartic acid (D). This variant was not reported in population-based cohorts in the Genome Aggregation Database (gnomAD). This amino acid position is not well conserved in available vertebrate species. This alteration is predicted to be tolerated by in silico analysis. Based on insufficient or conflicting evidence, the clinical significance of this alteration remains unclear.

NM_015335.5(MED13L):c.4784G>A (p.Gly1595Asp)

Gene: MED13L (mediator complex subunit 13L; minus strand). Cytogenetic location: 12q24.21.
Variant type: single nucleotide variant.
Coding change: c.4784G>A on transcript NM_015335.5 (MANE Select); coding-DNA position 4784, G replaced by A.
Protein change: p.Gly1595Asp; replaces glycine 1595 with aspartic acid.
Molecular consequence: missense variant.
Genome position (GRCh38, 1-based): chr12:115,983,288, C>T on the plus strand (G>A on the coding strand, the complement: MED13L is on the minus strand). VCF-style: chr12-115983288-C-T. GRCh37 (hg19) VCF-style: chr12-116421093-C-T.
Other names: short protein forms G1595D.
Identifiers: ClinVar variation 2479064 (VCV002479064.2), dbSNP rs2499826701, ClinGen allele CA386882859.